The following is an entry in ClinVar:

NM_144631.6(ZNF513):c.387G>A (p.Glu129=)

Gene: ZNF513 (zinc finger protein 513; minus strand). Cytogenetic location: 2p23.3.
Variant type: single nucleotide variant.
Coding change: c.387G>A on transcript NM_144631.6 (MANE Select); coding-DNA position 387, G replaced by A.
Protein change: p.Glu129=; no amino-acid change (glutamic acid 129 retained).
Molecular consequence: synonymous variant.
Genome position (GRCh38, 1-based): chr2:27,378,879, C>T on the plus strand (G>A on the coding strand, the complement: ZNF513 is on the minus strand). VCF-style: chr2-27378879-C-T. GRCh37 (hg19) VCF-style: chr2-27601746-C-T.
Other names: c.201G>A, p.Glu67= (NM_001201459.2).
Identifiers: ClinVar variation 3691565 (VCV003691565.2).

ClinVar aggregate classification (germline): Uncertain significance (1 of 4 stars; one submission).

gnomAD v4.1: 2 of 1,603,336 alleles (0.00012%); highest among the groups gnomAD compares: Non-Finnish European, 0.00017%; no homozygotes.

Submission:

Labcorp Genetics (formerly Invitae), Labcorp
Classification: Uncertain significance. Last evaluated: 2024-03-13. Review status: criteria provided, single submitter. Criteria: Invitae Variant Classification Sherloc (09022015). Collection method: clinical testing. Allele origin: germline.
Comment: This sequence change affects codon 129 of the ZNF513 mRNA. It is a 'silent' change, meaning that it does not change the encoded amino acid sequence of the ZNF513 protein. This variant is not present in population databases (gnomAD no frequency). This variant has not been reported in the literature in individuals affected with ZNF513-related conditions. Algorithms developed to predict the effect of sequence changes on RNA splicing suggest that this variant may create or strengthen a splice site. In summary, the available evidence is currently insufficient to determine the role of this variant in disease. Therefore, it has been classified as a Variant of Uncertain Significance.